The following is an entry in ClinVar:

ClinVar aggregate classification (germline): Uncertain significance (1 of 4 stars; one submission).

Conditions:
SPEN-related disorder. Also called: SPEN-related condition.

Allele frequency attached by ClinVar (database versions not stated): TOPMed below 0.00001.

Submission:

PreventionGenetics, part of Exact Sciences
Classification: Uncertain significance for SPEN-related condition. Last evaluated: 2022-10-19. Review status: criteria provided, single submitter. Criteria: ACMG Guidelines, 2015. Collection method: clinical testing. Allele origin: germline.
Comment: The SPEN c.8336C>G variant is predicted to result in the amino acid substitution p.Ala2779Gly. To our knowledge, this variant has not been reported in the literature or in a large population database, indicating this variant is rare. At this time, the clinical significance of this variant is uncertain due to the absence of conclusive functional and genetic evidence.

NM_015001.3(SPEN):c.8336C>G (p.Ala2779Gly)

Gene: SPEN (spen family transcriptional repressor; plus strand). Cytogenetic location: 1p36.13.
Variant type: single nucleotide variant.
Coding change: c.8336C>G on transcript NM_015001.3 (MANE Select); coding-DNA position 8336, C replaced by G.
Protein change: p.Ala2779Gly; replaces alanine 2779 with glycine.
Molecular consequence: missense variant.
Genome position (GRCh38, 1-based): chr1:15,934,576, C>G. VCF-style: chr1-15934576-C-G. GRCh37 (hg19) VCF-style: chr1-16261071-C-G.
Other names: short protein forms A2779G.
Identifiers: ClinVar variation 2637053 (VCV002637053.1), dbSNP rs1037316193, ClinGen allele CA18281599.